The following is an entry in ClinVar:

NM_000419.5(ITGA2B):c.1210G>T (p.Asp404Tyr)

Gene: ITGA2B (integrin subunit alpha 2b; minus strand). Cytogenetic location: 17q21.31.
Variant type: single nucleotide variant.
Coding change: c.1210G>T on transcript NM_000419.5 (MANE Select); coding-DNA position 1210, G replaced by T.
Protein change: p.Asp404Tyr; replaces aspartic acid 404 with tyrosine.
Molecular consequence: missense variant.
Genome position (GRCh38, 1-based): chr17:44,383,493, C>A on the plus strand (G>T on the coding strand, the complement: ITGA2B is on the minus strand). VCF-style: chr17-44383493-C-A. GRCh37 (hg19) VCF-style: chr17-42460861-C-A.
Other names: short protein forms D404Y.
Identifiers: ClinVar variation 2908579 (VCV002908579.4), dbSNP rs974311929, ClinGen allele CA290953855.

ClinVar aggregate classification (germline): Uncertain significance. Review status: criteria provided, multiple submitters, no conflicts (2 of 4 stars). 2 submissions from 2 submitters: Uncertain significance (2). Last evaluated 2025-04-14.

Conditions:
Glanzmann thrombasthenia. Also called: BLEEDING DISORDER, PLATELET-TYPE, 2; THROMBASTHENIA OF GLANZMANN AND NAEGELI; PLATELET GLYCOPROTEIN IIb-IIIa DEFICIENCY; Glanzmann's thrombasthenia; Thrombasthenia. Identifiers: Orphanet 849, MedGen C0040015, MONDO:0100326.

Allele frequency attached by ClinVar (database versions not stated): TOPMed 0.00002; gnomAD 0.00005.

Submissions (2):

GeneDx
Classification: Uncertain significance. Last evaluated: 2025-04-14. Review status: criteria provided, single submitter. Criteria: GeneDx Variant Classification Process June 2021. Collection method: clinical testing. Allele origin: germline. Affected: yes.
Comment: In silico analysis supports that this missense variant has a deleterious effect on protein structure/function; Has not been previously published as pathogenic or benign to our knowledge

Labcorp Genetics (formerly Invitae), Labcorp
Classification: Uncertain significance for Glanzmann thrombasthenia. Last evaluated: 2023-12-26. Review status: criteria provided, single submitter. Criteria: Invitae Variant Classification Sherloc (09022015). Collection method: clinical testing. Allele origin: germline.
Comment: This sequence change replaces aspartic acid, which is acidic and polar, with tyrosine, which is neutral and polar, at codon 404 of the ITGA2B protein (p.Asp404Tyr). This variant also falls at the last nucleotide of exon 12, which is part of the consensus splice site for this exon. The frequency data for this variant in the population databases is considered unreliable, as metrics indicate poor data quality at this position in the gnomAD database. This variant has not been reported in the literature in individuals affected with ITGA2B-related conditions. An algorithm developed to predict the effect of missense changes on protein structure and function (PolyPhen-2) suggests that this variant is likely to be disruptive. Variants that disrupt the consensus splice site are a relatively common cause of aberrant splicing (PMID: 17576681, 9536098). Algorithms developed to predict the effect of sequence changes on RNA splicing suggest that this variant may disrupt the consensus splice site. In summary, the available evidence is currently insufficient to determine the role of this variant in disease. Therefore, it has been classified as a Variant of Uncertain Significance.

Literature cited by the submitters: PubMed 17576681 (cited by Labcorp Genetics (formerly Invitae), Labcorp); PubMed 9536098 (cited by Labcorp Genetics (formerly Invitae), Labcorp).